The following is an entry in ClinVar:

NM_000238.4(KCNH2):c.2876C>T (p.Ser959Phe)

Gene: KCNH2 (potassium voltage-gated channel subfamily H member 2; minus strand). Cytogenetic location: 7q36.1.
Variant type: single nucleotide variant.
Coding change: c.2876C>T on transcript NM_000238.4 (MANE Select); coding-DNA position 2876, C replaced by T.
Protein change: p.Ser959Phe; replaces serine 959 with phenylalanine.
Molecular consequence: missense variant.
Genome position (GRCh38, 1-based): chr7:150,947,695, G>A on the plus strand (C>T on the coding strand, the complement: KCNH2 is on the minus strand). VCF-style: chr7-150947695-G-A. GRCh37 (hg19) VCF-style: chr7-150644783-G-A.
Other names: c.1856C>T, p.Ser619Phe (NM_172057.3); short protein forms S959F, S619F.
Identifiers: ClinVar variation 657772 (VCV000657772.1), dbSNP rs1584844763, ClinGen allele CA369853217.

ClinVar aggregate classification (germline): Uncertain significance (1 of 4 stars; one submission).

Conditions:
Long QT syndrome (LQTS). Identifiers: MedGen C0023976, MeSH D008133, MONDO:0002442. Disease mechanism: loss of function. Inheritance: Various modes of inheritance.

Allele frequency attached by ClinVar (database versions not stated): gnomAD 0.00001.

Submission:

Labcorp Genetics (formerly Invitae), Labcorp
Classification: Uncertain significance for Long QT syndrome. Last evaluated: 2018-09-14. Review status: criteria provided, single submitter. Criteria: Invitae Variant Classification Sherloc (09022015). Collection method: clinical testing. Allele origin: germline.
Comment: This sequence change replaces serine with phenylalanine at codon 959 of the KCNH2 protein (p.Ser959Phe). The serine residue is weakly conserved and there is a large physicochemical difference between serine and phenylalanine. This variant is not present in population databases (ExAC no frequency). This variant has not been reported in the literature in individuals with KCNH2-related disease. Algorithms developed to predict the effect of missense changes on protein structure and function (SIFT, PolyPhen-2, Align-GVGD) all suggest that this variant is likely to be tolerated, but these predictions have not been confirmed by published functional studies and their clinical significance is uncertain. In summary, the available evidence is currently insufficient to determine the role of this variant in disease. Therefore, it has been classified as a Variant of Uncertain Significance.